The following is an entry in ClinVar:

NM_002435.3(MPI):c.991del (p.Glu331fs)

Gene: MPI (mannose phosphate isomerase; plus strand). Cytogenetic location: 15q24.1.
Variant type: Deletion.
Coding change: c.991del on transcript NM_002435.3 (MANE Select); coding-DNA position 991, one base deleted (G; older notation c.991delG).
Protein change: p.Glu331fs; shifts the reading frame from glutamic acid 331.
Molecular consequence: frameshift variant. On other transcripts: intron variant (1).
Genome position (GRCh38, 1-based): chr15:74,897,157, G deleted; the last of 2 consecutive G bases (chr15:74,897,156-74,897,157); deleting either gives the same sequence. VCF-style (leftmost placement, unchanged base first): chr15-74897155-AG-A. GRCh37 (hg19) VCF-style: chr15-75189496-AG-A.
Other names: c.841del, p.Glu281fs (NM_001289156.2); c.808del, p.Glu270fs (NM_001289157.2); c.931del, p.Glu311fs (NM_001330372.2); c.845-355del (NM_001289155.2); short protein forms E331fs, E281fs, E311fs, E270fs.
Identifiers: ClinVar variation 556997 (VCV000556997.9), dbSNP rs1555479423, ClinGen allele CA658824077.

ClinVar aggregate classification (germline): Pathogenic/Likely pathogenic. Review status: criteria provided, multiple submitters, no conflicts (2 of 4 stars). 3 submissions from 3 submitters: Pathogenic (1); Likely pathogenic (1). 1 of the submissions does not count toward it. Last evaluated 2023-11-18.

Conditions:
MPI-congenital disorder of glycosylation. Also called: CDG Ib; CONGENITAL DISORDER OF GLYCOSYLATION, TYPE Ib; MANNOSEPHOSPHATE ISOMERASE DEFICIENCY; PROTEIN-LOSING ENTEROPATHY-HEPATIC FIBROSIS SYNDROME; MPI-CDG; MPI DEFICIENCY. Identifiers: Orphanet 79319, MedGen C1865145, MONDO:0011257, OMIM 602579.

Submissions (3):

Baylor Genetics
Classification: Likely pathogenic for MPI-congenital disorder of glycosylation. Last evaluated: 2023-11-18. Review status: criteria provided, single submitter. Criteria: ACMG Guidelines, 2015. Collection method: clinical testing. Allele origin: unknown.

Labcorp Genetics (formerly Invitae), Labcorp
Classification: Pathogenic for MPI-congenital disorder of glycosylation. Last evaluated: 2023-11-13. Review status: criteria provided, single submitter. Criteria: Invitae Variant Classification Sherloc (09022015). Collection method: clinical testing. Allele origin: germline.
Comment: This sequence change creates a premature translational stop signal (p.Glu331Lysfs*18) in the MPI gene. While this is not anticipated to result in nonsense mediated decay, it is expected to disrupt the last 93 amino acid(s) of the MPI protein. This variant is not present in population databases (gnomAD no frequency). This variant has not been reported in the literature in individuals affected with MPI-related conditions. ClinVar contains an entry for this variant (Variation ID: 556997). This variant disrupts a region of the MPI protein in which other variant(s) (p.Ile398Thr) have been determined to be pathogenic (PMID: 10484808, 30545931). This suggests that this is a clinically significant region of the protein, and that variants that disrupt it are likely to be disease-causing. For these reasons, this variant has been classified as Pathogenic.

Counsyl
Classification: Uncertain significance for MPI-congenital disorder of glycosylation. Last evaluated: 2018-03-06. Review status: no assertion criteria provided. Collection method: clinical testing. Allele origin: unknown. Not counted in ClinVar's aggregate classification.

Literature cited by the submitters: PubMed 10484808 (cited by Labcorp Genetics (formerly Invitae), Labcorp); PubMed 30545931 (cited by Labcorp Genetics (formerly Invitae), Labcorp).